The following is an entry in ClinVar:

ClinVar aggregate classification (germline): Uncertain significance (1 of 4 stars; one submission).

Conditions:
Developmental and epileptic encephalopathy, 27 (DEE27). Also called: Epileptic encephalopathy, early infantile, 27; GRIN2B-Related Neurodevelopmental Disorder. Identifiers: Orphanet 3451, MedGen C4015316, MONDO:0014505, OMIM 616139.
Intellectual developmental disorder, autosomal dominant 6, with or without seizures. Also called: Intellectual disability, autosomal dominant 6; GRIN2B-related developmental delay, intellectual disability and autism spectrum disorder. Identifiers: Orphanet 589547, MedGen C3151411, MONDO:0013509, OMIM 613970.

gnomAD v4.1: 1 of 1,614,116 alleles (0.000062%); highest among the groups gnomAD compares: Non-Finnish European, 0.000085%; no homozygotes.

Submission:

Labcorp Genetics (formerly Invitae), Labcorp
Classification: Uncertain significance for Developmental and epileptic encephalopathy, 27; Intellectual developmental disorder, autosomal dominant 6, with or without seizures. Last evaluated: 2025-09-04. Review status: criteria provided, single submitter. Criteria: Invitae Variant Classification Sherloc (09022015). Collection method: clinical testing. Allele origin: germline.
Comment: This sequence change replaces isoleucine, which is neutral and non-polar, with threonine, which is neutral and polar, at codon 815 of the GRIN2B protein (p.Ile815Thr). This variant is not present in population databases (gnomAD no frequency). This variant has not been reported in the literature in individuals affected with GRIN2B-related conditions. Invitae Evidence Modeling of protein sequence and biophysical properties (such as structural, functional, and spatial information, amino acid conservation, physicochemical variation, residue mobility, and thermodynamic stability) indicates that this missense variant is expected to disrupt GRIN2B protein function with a positive predictive value of 95%. In summary, the available evidence is currently insufficient to determine the role of this variant in disease. Therefore, it has been classified as a Variant of Uncertain Significance.

NM_000834.5(GRIN2B):c.2444T>C (p.Ile815Thr)

Gene: GRIN2B (glutamate ionotropic receptor NMDA type subunit 2B; minus strand). Cytogenetic location: 12p13.1.
Variant type: single nucleotide variant.
Coding change: c.2444T>C on transcript NM_000834.5 (MANE Select); coding-DNA position 2444, T replaced by C.
Protein change: p.Ile815Thr; replaces isoleucine 815 with threonine.
Molecular consequence: missense variant.
Genome position (GRCh38, 1-based): chr12:13,567,179, A>G on the plus strand (T>C on the coding strand, the complement: GRIN2B is on the minus strand). VCF-style: chr12-13567179-A-G. GRCh37 (hg19) VCF-style: chr12-13720113-A-G.
Other names: c.2444T>C, p.Ile815Thr (NM_001413992.1); short protein forms I815T.
Identifiers: ClinVar variation 4790694 (VCV004790694.1).